The following is an entry in ClinVar:

ClinVar aggregate classification (germline): Likely benign. Review status: criteria provided, multiple submitters, no conflicts (2 of 4 stars). 3 submissions from 3 submitters: Likely benign (3). Last evaluated 2025-06-12.

Conditions:
CLCN5-related disorder. Also called: CLCN5-related condition.
Proteinuria, low molecular weight, with hypercalciuria and nephrocalcinosis. Identifiers: Orphanet 1652, Orphanet 93622, MedGen C1839874, MONDO:0010644, OMIM 308990.
X-linked recessive nephrolithiasis with renal failure (XRN). Also called: NEPHROLITHIASIS 1; NEPHROLITHIASIS, X-LINKED RECESSIVE, TYPE 1; UROLITHIASIS, X-LINKED RECESSIVE, TYPE 1. Identifiers: Orphanet 1652, Orphanet 93622, MedGen C0403720, MONDO:0010687, OMIM 310468.
Hypophosphatemic rickets, X-linked recessive (XLHRR). Identifiers: Orphanet 1652, Orphanet 93622, MedGen C1845168, MONDO:0010358, OMIM 300554.
Dent disease type 1 (DENT1). Also called: NEPHROLITHIASIS 2; NEPHROLITHIASIS, HYPERCALCIURIC, X-LINKED. Identifiers: Orphanet 1652, Orphanet 93622, MedGen C1848336, MONDO:0010225, OMIM 300009.

Allele frequency attached by ClinVar (database versions not stated): gnomAD exomes 0.00003 and 0.00004; ExAC 0.00009; ESP Exome Variant Server 0.00019; gnomAD 0.00019 and 0.00020; TOPMed 0.00019.
gnomAD v4.1: 51 of 1,208,525 alleles (0.0042%); highest among the groups gnomAD compares: African/African-American, 0.058%; no homozygotes.

Submissions (3):

PreventionGenetics, part of Exact Sciences
Classification: Likely benign for CLCN5-related condition. Last evaluated: 2025-06-12. Review status: criteria provided, single submitter. Criteria: ACMG Guidelines, 2015. Collection method: clinical testing. Allele origin: germline.
Comment: This variant is classified as likely benign based on ACMG/AMP sequence variant interpretation guidelines (Richards et al. 2015 PMID: 25741868, with internal and published modifications).

Labcorp Genetics (formerly Invitae), Labcorp
Classification: Likely benign. Last evaluated: 2025-01-27. Review status: criteria provided, single submitter. Criteria: Invitae Variant Classification Sherloc (09022015). Collection method: clinical testing. Allele origin: germline.

Fulgent Genetics
Classification: Likely benign for Dent disease type 1; Hypophosphatemic rickets, X-linked recessive; Proteinuria, low molecular weight, with hypercalciuria and nephrocalcinosis; X-linked recessive nephrolithiasis with renal failure. Last evaluated: 2024-05-15. Review status: criteria provided, single submitter. Criteria: ACMG Guidelines, 2015. Collection method: clinical testing. Allele origin: germline.

NM_001127898.4(CLCN5):c.1297G>A (p.Val433Met)

Gene: CLCN5 (Cl-/H+ antiporter 5; plus strand). Cytogenetic location: Xp11.23.
Variant type: single nucleotide variant.
Coding change: c.1297G>A on transcript NM_001127898.4 (MANE Select); coding-DNA position 1297, G replaced by A.
Protein change: p.Val433Met; replaces valine 433 with methionine.
Molecular consequence: missense variant.
Genome position (GRCh38, 1-based): chrX:50,086,610, G>A. VCF-style: chrX-50086610-G-A. GRCh37 (hg19) VCF-style: chrX-49851267-G-A.
Other names: c.1087G>A, p.Val363Met (NM_000084.5); c.1297G>A, p.Val433Met (NM_001127899.4); c.1147G>A, p.Val383Met (NM_001282163.2); c.1087G>A (NM_000084.4); short protein forms V363M, V383M, V433M.
Identifiers: ClinVar variation 1000916 (VCV001000916.12), dbSNP rs140514551, ClinGen allele CA10413860.